The following is an entry in ClinVar:

NM_001330723.2(SNX27):c.1258A>T (p.Thr420Ser)

Gene: SNX27 (sorting nexin 27; plus strand). Cytogenetic location: 1q21.3.
Variant type: single nucleotide variant.
Coding change: c.1258A>T on transcript NM_001330723.2 (MANE Select); coding-DNA position 1258, A replaced by T.
Protein change: p.Thr420Ser; replaces threonine 420 with serine.
Molecular consequence: missense variant.
Genome position (GRCh38, 1-based): chr1:151,692,453, A>T. VCF-style: chr1-151692453-A-T. GRCh37 (hg19) VCF-style: chr1-151664929-A-T.
Other names: c.1258A>T, p.Thr420Ser (NM_030918.6); short protein forms T420S.
Identifiers: ClinVar variation 573380 (VCV000573380.11), dbSNP rs1399483139, ClinGen allele CA341971687.

ClinVar aggregate classification (germline): Uncertain significance (1 of 4 stars; one submission).

Conditions:
Severe myoclonic epilepsy in infancy (DRVT). Also called: Severe Myoclonic Epilepsy in Infancy (SMEI); SEVERE MYOCLONIC EPILEPSY OF INFANCY; DEVELOPMENTAL AND EPILEPTIC ENCEPHALOPATHY 6A; Dravet syndrome; Epileptic encephalopathy, early infantile, 6 (Dravet syndrome). Identifiers: Orphanet 33069, MedGen C0751122, MONDO:0100135, OMIM 607208.

Allele frequency attached by ClinVar (database versions not stated): gnomAD exomes below 0.00001; gnomAD 0.00001.

Submission:

Labcorp Genetics (formerly Invitae), Labcorp
Classification: Uncertain significance for Severe myoclonic epilepsy in infancy. Last evaluated: 2022-07-18. Review status: criteria provided, single submitter. Criteria: Invitae Variant Classification Sherloc (09022015). Collection method: clinical testing. Allele origin: germline.
Comment: Algorithms developed to predict the effect of missense changes on protein structure and function are either unavailable or do not agree on the potential impact of this missense change (SIFT: "Deleterious"; PolyPhen-2: "Benign"; Align-GVGD: "Class C0"). This sequence change replaces threonine, which is neutral and polar, with serine, which is neutral and polar, at codon 420 of the SNX27 protein (p.Thr420Ser). This variant is present in population databases (no rsID available, gnomAD 0.009%). This variant has not been reported in the literature in individuals affected with SNX27-related conditions. ClinVar contains an entry for this variant (Variation ID: 573380). Algorithms developed to predict the effect of sequence changes on RNA splicing suggest that this variant may create or strengthen a splice site. In summary, the available evidence is currently insufficient to determine the role of this variant in disease. Therefore, it has been classified as a Variant of Uncertain Significance.